The following is an entry in ClinVar:

NM_000540.3(RYR1):c.5037C>G (p.Arg1679=)

Gene: RYR1 (ryanodine receptor 1; plus strand). Cytogenetic location: 19q13.2.
Variant type: single nucleotide variant.
Coding change: c.5037C>G on transcript NM_000540.3 (MANE Select); coding-DNA position 5037, C replaced by G.
Protein change: p.Arg1679=; no amino-acid change (arginine 1679 retained).
Molecular consequence: synonymous variant.
Genome position (GRCh38, 1-based): chr19:38,485,692, C>G. VCF-style: chr19-38485692-C-G. GRCh37 (hg19) VCF-style: chr19-38976332-C-G.
Other names: p.Arg1679=; c.5037C>G, p.Arg1679= (NM_001042723.2).
Identifiers: ClinVar variation 256525 (VCV000256525.19), dbSNP rs34169029, ClinGen allele CA066622.

ClinVar aggregate classification (germline): Benign/Likely benign. Review status: criteria provided, multiple submitters, no conflicts (2 of 4 stars). 7 submissions from 7 submitters: Benign (5); Likely benign (2). Last evaluated 2026-02-03.

Conditions:
RYR1-related disorder. Also called: RYR1-related condition; RYR1-related disorders. Identifiers: MedGen CN239331.
Malignant hyperthermia, susceptibility to, 1 (MHS1). Also called: RYR1-Related Malignant Hyperthermia Susceptibility; Anesthesia related hyperthermia; Malignant hyperpyrexia; Fulminating hyperpyrexia; Pharmacogenic myopathy; Malignant hyperthermia suceptibility 1. Identifiers: Orphanet 423, MedGen C2930980, MONDO:0007783, OMIM 145600.

Allele frequency attached by ClinVar (database versions not stated): gnomAD 0.00523 and 0.00555; TOPMed 0.00531; ESP Exome Variant Server 0.00561; 1000 Genomes Project 0.00699; 1000 Genomes Project 30x 0.00812.
gnomAD v4.1: 1,505 of 1,611,202 alleles (0.093%); highest among the groups gnomAD compares: African/African-American, 1.7%; 11 homozygotes.

Submissions (7):

Labcorp Genetics (formerly Invitae), Labcorp
Classification: Benign for RYR1-related disorder. Last evaluated: 2026-02-03. Review status: criteria provided, single submitter. Criteria: Invitae Variant Classification Sherloc (09022015). Collection method: clinical testing. Allele origin: germline.

Blueprint Genetics
Classification: Likely benign. Last evaluated: 2024-10-16. Review status: criteria provided, single submitter. Criteria: ACMG Guidelines, 2015. Collection method: clinical testing. Allele origin: germline.

ARUP Laboratories, Molecular Genetics and Genomics, ARUP Laboratories
Classification: Benign. Last evaluated: 2024-03-20. Review status: criteria provided, single submitter. Criteria: ARUP Molecular Germline Variant Investigation Process 2024. Collection method: clinical testing. Allele origin: germline.

Mayo Clinic Laboratories, Mayo Clinic
Classification: Benign. Last evaluated: 2024-02-23. Review status: criteria provided, single submitter. Criteria: ACMG Guidelines, 2015. Collection method: clinical testing. Allele origin: germline. Observed: 4 variant alleles.
Comment: BS1, BS2, BP4, BP7

Color Diagnostics, LLC DBA Color Health
Classification: Benign for Malignant hyperthermia, susceptibility to, 1. Last evaluated: 2022-10-11. Review status: criteria provided, single submitter. Criteria: ACMG Guidelines, 2015. Collection method: clinical testing. Allele origin: germline.

GeneDx
Classification: Likely benign. Last evaluated: 2021-10-11. Review status: criteria provided, single submitter. Criteria: GeneDx Variant Classification Process June 2021. Collection method: clinical testing. Allele origin: germline. Affected: yes.

PreventionGenetics, part of Exact Sciences
Classification: Benign. Last evaluated: 2017-12-27. Review status: criteria provided, single submitter. Criteria: ACMG Guidelines, 2015. Collection method: clinical testing. Allele origin: germline.